The following is an entry in ClinVar:

ClinVar aggregate classification (germline): Uncertain significance (1 of 4 stars; one submission).

Allele frequency attached by ClinVar (database versions not stated): gnomAD exomes below 0.00001 and 0.00001; TOPMed below 0.00001; ExAC 0.00001; gnomAD 0.00001; ESP Exome Variant Server 0.00008.
gnomAD v4.1: 3 of 1,614,080 alleles (0.00019%); highest among the groups gnomAD compares: Non-Finnish European, 0.00025%; no homozygotes.

Submission:

Labcorp Genetics (formerly Invitae), Labcorp
Classification: Uncertain significance. Last evaluated: 2021-08-28. Review status: criteria provided, single submitter. Criteria: Invitae Variant Classification Sherloc (09022015). Collection method: clinical testing. Allele origin: germline.
Comment: This sequence change replaces serine with cysteine at codon 474 of the IMPG2 protein (p.Ser474Cys). The serine residue is moderately conserved and there is a moderate physicochemical difference between serine and cysteine. This variant is present in population databases (rs377032263, ExAC 0.001%). This variant has not been reported in the literature in individuals affected with IMPG2-related conditions. Algorithms developed to predict the effect of missense changes on protein structure and function are either unavailable or do not agree on the potential impact of this missense change (SIFT: "Tolerated"; PolyPhen-2: "Possibly Damaging"; Align-GVGD: "Class C0"). In summary, the available evidence is currently insufficient to determine the role of this variant in disease. Therefore, it has been classified as a Variant of Uncertain Significance.

NM_016247.4(IMPG2):c.1421C>G (p.Ser474Cys)

Gene: IMPG2 (interphotoreceptor matrix proteoglycan 2; minus strand). Cytogenetic location: 3q12.3.
Variant type: single nucleotide variant.
Coding change: c.1421C>G on transcript NM_016247.4 (MANE Select); coding-DNA position 1421, C replaced by G.
Protein change: p.Ser474Cys; replaces serine 474 with cysteine.
Molecular consequence: missense variant.
Genome position (GRCh38, 1-based): chr3:101,245,924, G>C on the plus strand (C>G on the coding strand, the complement: IMPG2 is on the minus strand). VCF-style: chr3-101245924-G-C. GRCh37 (hg19) VCF-style: chr3-100964768-G-C.
Other names: short protein forms S474C.
Identifiers: ClinVar variation 1434190 (VCV001434190.5), dbSNP rs377032263, ClinGen allele CA2519166.